The following is an entry in ClinVar:

NM_001394372.1(BICRA):c.1316C>A (p.Pro439His)

Gene: BICRA (BRD4 interacting chromatin remodeling complex associated protein; plus strand). Cytogenetic location: 19q13.33.
Variant type: single nucleotide variant.
Coding change: c.1316C>A on transcript NM_001394372.1 (MANE Select); coding-DNA position 1316, C replaced by A.
Protein change: p.Pro439His; replaces proline 439 with histidine.
Molecular consequence: missense variant.
Genome position (GRCh38, 1-based): chr19:47,680,486, C>A. VCF-style: chr19-47680486-C-A. GRCh37 (hg19) VCF-style: chr19-48183743-C-A.
Other names: c.1316C>A, p.Pro439His (NM_015711.3); short protein forms P439H.
Identifiers: ClinVar variation 3260900 (VCV003260900.3).

ClinVar aggregate classification (germline): Uncertain significance. Review status: criteria provided, multiple submitters, no conflicts (2 of 4 stars). 2 submissions from 2 submitters: Uncertain significance (2). Last evaluated 2026-01-23.

Conditions:
Coffin-Siris syndrome 12. Identifiers: MedGen C5444111, MONDO:0025699, OMIM 619325.

gnomAD v4.1: 30 of 1,541,892 alleles (0.0019%); highest among the groups gnomAD compares: Non-Finnish European, 0.0024%; no homozygotes.

Submissions (2):

Dasa
Classification: Uncertain significance for Coffin-Siris syndrome 12. Last evaluated: 2026-01-23. Review status: criteria provided, single submitter. Criteria: DASA Assertion Criteria. Collection method: clinical testing. Allele origin: germline.
Comment: NM_001394372.1(BICRA):c.1316C>A (p.Pro439His) is a missense variant that results in the substitution of proline with histidine. This variant is rare in population databases. Computational prediction algorithms are consistent with a benign effect. The currently available literature and clinical evidence are not sufficient to establish a definitive association between this variant and the reported condition. Therefore, this variant is classified as a variant of uncertain significance.

Ambry Genetics
Classification: Uncertain significance. Last evaluated: 2024-05-12. Review status: criteria provided, single submitter. Criteria: Ambry Variant Classification Scheme 2023. Collection method: clinical testing. Allele origin: germline.